The following is an entry in ClinVar:

ClinVar aggregate classification (germline): Conflicting classifications of pathogenicity. Review status: criteria provided, conflicting classifications (1 of 4 stars). 3 submissions from 3 submitters: Uncertain significance (1); Likely benign (1). 1 of the submissions does not count toward it. Last evaluated 2025-05-11.

Conditions:
CYP7A1-related disorder. Also called: CYP7A1-related condition.

Allele frequency attached by ClinVar (database versions not stated): ESP Exome Variant Server 0.00031; ExAC 0.00007; gnomAD 0.00007; gnomAD exomes 0.00008; TOPMed 0.00008.

Submissions (3):

Labcorp Genetics (formerly Invitae), Labcorp
Classification: Likely benign. Last evaluated: 2025-05-11. Review status: criteria provided, single submitter. Criteria: Invitae Variant Classification Sherloc (09022015). Collection method: clinical testing. Allele origin: germline.

Eurofins Ntd Llc (ga)
Classification: Uncertain significance. Last evaluated: 2018-04-03. Review status: criteria provided, single submitter. Criteria: EGL ClinVar v180209 classification definitions. Collection method: clinical testing. Allele origin: germline. Observed: 1 variant allele, 1 heterozygote.

PreventionGenetics, part of Exact Sciences
Classification: Likely benign for CYP7A1-related condition. Last evaluated: 2021-04-07. Review status: no assertion criteria provided. Collection method: clinical testing. Allele origin: germline. Not counted in ClinVar's aggregate classification.
Comment: This variant is classified as likely benign based on ACMG/AMP sequence variant interpretation guidelines (Richards et al. 2015 PMID: 25741868, with internal and published modifications).

NM_000780.4(CYP7A1):c.1215+8C>T

Genes: CYP7A1 (cytochrome P450 family 7 subfamily A member 1; minus strand), LOC126860400 (BRD4-independent group 4 enhancer GRCh37_chr8:59404317-59405516; plus strand). Cytogenetic location: 8q12.1.
Variant type: single nucleotide variant.
Coding change: c.1215+8C>T on transcript NM_000780.4 (MANE Select); 8 bases into the intron after coding-DNA position 1215, C replaced by T.
Molecular consequence: intron variant.
Genome position (GRCh38, 1-based): chr8:58,492,345, G>A on the plus strand (C>T on the coding strand, the complement: CYP7A1 is on the minus strand). VCF-style: chr8-58492345-G-A. GRCh37 (hg19) VCF-style: chr8-59404904-G-A.
Other names: c.1215+8C>T (NM_000780.3).
Identifiers: ClinVar variation 596775 (VCV000596775.9), dbSNP rs368417648, ClinGen allele CA4756629.